The following is an entry in ClinVar:

ClinVar aggregate classification (germline): Likely pathogenic (1 of 4 stars; one submission).

Conditions:
Chromosome 2q32-q33 deletion syndrome (GLASS). Also called: 2q33.1 deletion syndrome; Glass syndrome. Identifiers: Orphanet 251019, MedGen C2676739, MONDO:0012864, OMIM 612313.

Submission:

Labcorp Genetics (formerly Invitae), Labcorp
Classification: Likely pathogenic for Chromosome 2q32-q33 deletion syndrome. Last evaluated: 2022-12-24. Review status: criteria provided, single submitter. Criteria: Invitae Variant Classification Sherloc (09022015). Collection method: clinical testing. Allele origin: germline.
Comment: In summary, the currently available evidence indicates that the variant is pathogenic, but additional data are needed to prove that conclusively. Therefore, this variant has been classified as Likely Pathogenic. Algorithms developed to predict the effect of sequence changes on RNA splicing suggest that this variant may disrupt the consensus splice site. This variant has not been reported in the literature in individuals affected with SATB2-related conditions. This variant is not present in population databases (gnomAD no frequency). This sequence change affects an acceptor splice site in intron 3 of the SATB2 gene. It is expected to disrupt RNA splicing. Variants that disrupt the donor or acceptor splice site typically lead to a loss of protein function (PMID: 16199547), and loss-of-function variants in SATB2 are known to be pathogenic (PMID: 25885067).

Literature cited by the submitters: PubMed 16199547; PubMed 25885067.

NM_001172509.2(SATB2):c.170-2A>G

Gene: SATB2 (SATB homeobox 2; minus strand). Cytogenetic location: 2q33.1.
Variant type: single nucleotide variant.
Coding change: c.170-2A>G on transcript NM_001172509.2 (MANE Select); the canonical splice acceptor site of the intron before coding-DNA position 170, A replaced by G.
Molecular consequence: splice acceptor variant.
Genome position (GRCh38, 1-based): chr2:199,433,516, T>C on the plus strand (A>G on the coding strand, the complement: SATB2 is on the minus strand). VCF-style: chr2-199433516-T-C. GRCh37 (hg19) VCF-style: chr2-200298239-T-C.
Other names: c.170-2A>G (NM_001172517.1, NM_015265.4).
Identifiers: ClinVar variation 2823923 (VCV002823923.3), dbSNP rs2469034343, ClinGen allele CA350387002.